The following is an entry in ClinVar:

ClinVar aggregate classification (germline): Conflicting classifications of pathogenicity. Review status: criteria provided, conflicting classifications (1 of 4 stars). 5 submissions from 5 submitters: Uncertain significance (4); Benign (1). Last evaluated 2025-09-09.

Conditions:
Hereditary cancer-predisposing syndrome. Also called: Tumor predisposition; Hereditary Cancer Syndrome; Neoplastic Syndromes, Hereditary; Hereditary neoplastic syndrome. Identifiers: Orphanet 140162, MedGen C0027672, MeSH D009386, MONDO:0015356.
Familial adenomatous polyposis 2. Also called: MYH-associated polyposis; FAP type 2; ADENOMAS, MULTIPLE COLORECTAL, AUTOSOMAL RECESSIVE; MUTYH Polyposis; MUTYH-associated polyposis; MUTYH-related attenuated familial adenomatous polyposis. Identifiers: Orphanet 220460, Orphanet 247798, MedGen C3272841, MONDO:0012041, OMIM 608456.

Allele frequency attached by ClinVar (database versions not stated): gnomAD exomes below 0.00001.

Submissions (5):

Ambry Genetics
Classification: Benign for Hereditary cancer-predisposing syndrome. Last evaluated: 2025-09-09. Review status: criteria provided, single submitter. Criteria: Ambry Variant Classification Scheme 2023. Collection method: clinical testing. Allele origin: germline.

Labcorp Genetics (formerly Invitae), Labcorp
Classification: Uncertain significance for Familial adenomatous polyposis 2. Last evaluated: 2025-04-17. Review status: criteria provided, single submitter. Criteria: Invitae Variant Classification Sherloc (09022015). Collection method: clinical testing. Allele origin: germline.
Comment: This sequence change replaces alanine, which is neutral and non-polar, with serine, which is neutral and polar, at codon 385 of the MUTYH protein (p.Ala385Ser). The frequency data for this variant in the population databases is considered unreliable, as metrics indicate poor data quality at this position in the gnomAD database. This variant has not been reported in the literature in individuals affected with MUTYH-related conditions. ClinVar contains an entry for this variant (Variation ID: 231570). An algorithm developed to predict the effect of missense changes on protein structure and function outputs the following: PolyPhen-2: "Benign". The serine amino acid residue is found in multiple mammalian species, which suggests that this missense change does not adversely affect protein function. In summary, the available evidence is currently insufficient to determine the role of this variant in disease. Therefore, it has been classified as a Variant of Uncertain Significance.

Baylor Genetics
Classification: Uncertain significance for Familial adenomatous polyposis 2. Last evaluated: 2024-03-08. Review status: criteria provided, single submitter. Criteria: ACMG Guidelines, 2015. Collection method: clinical testing. Allele origin: unknown.

Color Diagnostics, LLC DBA Color Health
Classification: Uncertain significance for Hereditary cancer-predisposing syndrome. Last evaluated: 2024-03-06. Review status: criteria provided, single submitter. Criteria: ACMG Guidelines, 2015. Collection method: clinical testing. Allele origin: germline.
Comment: This missense variant replaces alanine with serine at codon 385 of the MUTYH protein. Computational prediction suggests that this variant may not impact protein structure and function (internally defined REVEL score threshold <= 0.5, PMID: 27666373). To our knowledge, functional studies have not been reported for this variant. This variant has not been reported in individuals affected with MUTYH-related disorders in the literature. This variant has been identified in 1/249808 chromosomes in the general population by the Genome Aggregation Database (gnomAD). The available evidence is insufficient to determine the role of this variant in disease conclusively. Therefore, this variant is classified as a Variant of Uncertain Significance.

PreventionGenetics, part of Exact Sciences
Classification: Uncertain significance. Last evaluated: 2017-10-05. Review status: criteria provided, single submitter. Criteria: ACMG Guidelines, 2015. Collection method: clinical testing. Allele origin: germline.

Literature cited by the submitters: PubMed 40738107 (cited by Ambry Genetics).

NM_001048174.2(MUTYH):c.1069G>T (p.Ala357Ser)

Gene: MUTYH (mutY DNA glycosylase; minus strand). Cytogenetic location: 1p34.1.
Variant type: single nucleotide variant.
Coding change: c.1069G>T on transcript NM_001048174.2 (MANE Select); coding-DNA position 1069, G replaced by T.
Protein change: p.Ala357Ser; replaces alanine 357 with serine.
Molecular consequence: missense variant. On other transcripts: non-coding transcript variant (2).
Genome position (GRCh38, 1-based): chr1:45,331,694, C>A on the plus strand (G>T on the coding strand, the complement: MUTYH is on the minus strand). VCF-style: chr1-45331694-C-A. GRCh37 (hg19) VCF-style: chr1-45797366-C-A.
Other names: c.1069G>T, p.Ala357Ser (NM_001048171.2, NM_001048173.2, NM_001293195.2); c.1072G>T, p.Ala358Ser (NM_001048172.2); c.1153G>T, p.Ala385Ser (NM_001128425.2); c.1114G>T, p.Ala372Ser (NM_001293190.2); c.1102G>T, p.Ala368Ser (NM_001293191.2); c.793G>T, p.Ala265Ser (NM_001293192.2, NM_001293196.2); c.724G>T, p.Ala242Ser (NM_001350650.2, NM_001350651.2); c.1144G>T, p.Ala382Ser (NM_012222.3); short protein forms A385S, A265S, A372S, A242S, A358S, A357S, A368S, A382S.
Identifiers: ClinVar variation 231570 (VCV000231570.21), dbSNP rs876659232, ClinGen allele CA10577713.